The following is an entry in ClinVar:

ClinVar aggregate classification (germline): Uncertain significance. Review status: criteria provided, multiple submitters, no conflicts (2 of 4 stars). 2 submissions from 2 submitters: Uncertain significance (2). Last evaluated 2023-09-08.

Conditions:
Charcot-Marie-Tooth disease type 2R. Also called: CHARCOT-MARIE-TOOTH DISEASE, AXONAL, AUTOSOMAL RECESSIVE, TYPE 2R; Charcot-Marie-Tooth disease, axonal, type 2R; CHARCOT-MARIE-TOOTH NEUROPATHY, TYPE 2R. Identifiers: Orphanet 397968, MedGen C3809655, MONDO:0014208, OMIM 615490.

Allele frequency attached by ClinVar (database versions not stated): gnomAD exomes below 0.00001.
gnomAD v4.1: 4 of 1,606,456 alleles (0.00025%); highest among the groups gnomAD compares: Non-Finnish European, 0.00034%; no homozygotes.

Submissions (2):

Labcorp Genetics (formerly Invitae), Labcorp
Classification: Uncertain significance for Charcot-Marie-Tooth disease type 2R. Last evaluated: 2023-09-08. Review status: criteria provided, single submitter. Criteria: Invitae Variant Classification Sherloc (09022015). Collection method: clinical testing. Allele origin: germline.
Comment: This variant has not been reported in the literature in individuals affected with TRIM2-related conditions. This variant is not present in population databases (gnomAD no frequency). This sequence change replaces aspartic acid, which is acidic and polar, with histidine, which is basic and polar, at codon 242 of the TRIM2 protein (p.Asp242His). ClinVar contains an entry for this variant (Variation ID: 2527766). In summary, the available evidence is currently insufficient to determine the role of this variant in disease. Therefore, it has been classified as a Variant of Uncertain Significance. An algorithm developed to predict the effect of missense changes on protein structure and function (PolyPhen-2) suggests that this variant is likely to be disruptive.

Ambry Genetics
Classification: Uncertain significance. Last evaluated: 2023-03-21. Review status: criteria provided, single submitter. Criteria: Ambry Variant Classification Scheme 2023. Collection method: clinical testing. Allele origin: germline.

NM_015271.5(TRIM2):c.805G>C (p.Asp269His)

Gene: TRIM2 (tripartite motif containing 2; plus strand). Cytogenetic location: 4q31.3.
Variant type: single nucleotide variant.
Coding change: c.805G>C on transcript NM_015271.5 (MANE Select); coding-DNA position 805, G replaced by C.
Protein change: p.Asp269His; replaces aspartic acid 269 with histidine.
Molecular consequence: missense variant.
Genome position (GRCh38, 1-based): chr4:153,295,331, G>C. VCF-style: chr4-153295331-G-C. GRCh37 (hg19) VCF-style: chr4-154216483-G-C.
Other names: c.724G>C, p.Asp242His (NM_001130067.2, NM_001351056.2, NM_001375512.1 and 5 more transcripts); c.778G>C, p.Asp260His (NM_001351054.2); c.775G>C, p.Asp259His (NM_001351055.2); c.349G>C, p.Asp117His (NM_001351057.2); c.898G>C, p.Asp300His (NM_001375488.1); c.895G>C, p.Asp299His (NM_001375489.1); c.748G>C, p.Asp250His (NM_001375490.1); c.745G>C, p.Asp249His (NM_001375491.1); and 3 more; short protein forms D242H, D249H, D250H, D300H, D158H, D259H, D260H, D117H.
Identifiers: ClinVar variation 2527766 (VCV002527766.5), dbSNP rs1762560526, ClinGen allele CA358472307.